The following is an entry in ClinVar:

ClinVar aggregate classification (germline): Pathogenic (1 of 4 stars; one submission).

Submission:

Labcorp Genetics (formerly Invitae), Labcorp
Classification: Pathogenic. Last evaluated: 2023-03-18. Review status: criteria provided, single submitter. Criteria: Invitae Variant Classification Sherloc (09022015). Collection method: clinical testing. Allele origin: germline.
Comment: For these reasons, this variant has been classified as Pathogenic. This variant has not been reported in the literature in individuals affected with VPS13A-related conditions. This variant is not present in population databases (gnomAD no frequency). This sequence change creates a premature translational stop signal (p.Glu3115*) in the VPS13A gene. It is expected to result in an absent or disrupted protein product. Loss-of-function variants in VPS13A are known to be pathogenic (PMID: 12404112, 21598378).

Literature cited by the submitters: PubMed 12404112; PubMed 21598378.

NM_033305.3(VPS13A):c.9343G>T (p.Glu3115Ter)

Gene: VPS13A (vacuolar protein sorting 13 homolog A; plus strand). Cytogenetic location: 9q21.2.
Variant type: single nucleotide variant.
Coding change: c.9343G>T on transcript NM_033305.3 (MANE Select); coding-DNA position 9343, G replaced by T.
Protein change: p.Glu3115Ter; replaces glutamic acid 3115 with a stop codon.
Molecular consequence: nonsense.
Genome position (GRCh38, 1-based): chr9:77,405,931, G>T. VCF-style: chr9-77405931-G-T. GRCh37 (hg19) VCF-style: chr9-80020847-G-T.
Other names: c.9226G>T, p.Glu3076Ter (NM_001018037.2); short protein forms E3115*, E3076*.
Identifiers: ClinVar variation 2881683 (VCV002881683.3), dbSNP rs2538318041, ClinGen allele CA373854241.
Genomic context (GRCh38, chr9:77,405,931, plus strand): 5'-TTGTTTGTAACAAAGGGAACATTTGGACAACTCACGTGTGAGTGGCAGTATAGTTTTGAT[G>T]AATTTACCAAAGAGCCATTCATTGTTCATGGGAGAAGATTGCGCATTGAAGCAAAGGTAT-3'